The following is an entry in ClinVar:

ClinVar aggregate classification (germline): Conflicting classifications of pathogenicity. Review status: criteria provided, conflicting classifications (1 of 4 stars). 2 submissions from 2 submitters: Uncertain significance (1); Likely benign (1). Last evaluated 2026-05-01.

Allele frequency attached by ClinVar (database versions not stated): gnomAD exomes 0.00052 and 0.00091; ExAC 0.00061; ESP Exome Variant Server 0.00100.
gnomAD v4.1: 1,379 of 1,614,112 alleles (0.085%); highest among the groups gnomAD compares: Non-Finnish European, 0.11%; 1 homozygote.

Submissions (2):

CeGaT Center for Human Genetics Tuebingen
Classification: Likely benign. Last evaluated: 2026-05-01. Review status: criteria provided, single submitter. Criteria: CeGaT Center For Human Genetics Tuebingen Variant Classification Criteria Version 2. Collection method: clinical testing. Allele origin: germline. Affected: yes. Observed: 3 variant alleles.
Comment: VPS13C: BP4

Labcorp Genetics (formerly Invitae), Labcorp
Classification: Uncertain significance. Last evaluated: 2022-04-24. Review status: criteria provided, single submitter. Criteria: Invitae Variant Classification Sherloc (09022015). Collection method: clinical testing. Allele origin: germline.
Comment: This sequence change replaces isoleucine, which is neutral and non-polar, with threonine, which is neutral and polar, at codon 2272 of the VPS13C protein (p.Ile2272Thr). This variant is present in population databases (rs141890160, gnomAD 0.1%), and has an allele count higher than expected for a pathogenic variant. This variant has not been reported in the literature in individuals affected with VPS13C-related conditions. Algorithms developed to predict the effect of missense changes on protein structure and function output the following: SIFT: "Tolerated"; PolyPhen-2: "Benign"; Align-GVGD: "Class C0". The threonine amino acid residue is found in multiple mammalian species, which suggests that this missense change does not adversely affect protein function. Algorithms developed to predict the effect of sequence changes on RNA splicing suggest that this variant may create or strengthen a splice site. In summary, the available evidence is currently insufficient to determine the role of this variant in disease. Therefore, it has been classified as a Variant of Uncertain Significance.

NM_020821.3(VPS13C):c.6815T>C (p.Ile2272Thr)

Gene: VPS13C (vacuolar protein sorting 13 homolog C; minus strand). Cytogenetic location: 15q22.2.
Variant type: single nucleotide variant.
Coding change: c.6815T>C on transcript NM_020821.3 (MANE Select); coding-DNA position 6815, T replaced by C.
Protein change: p.Ile2272Thr; replaces isoleucine 2272 with threonine.
Molecular consequence: missense variant.
Genome position (GRCh38, 1-based): chr15:61,922,557, A>G on the plus strand (T>C on the coding strand, the complement: VPS13C is on the minus strand). VCF-style: chr15-61922557-A-G. GRCh37 (hg19) VCF-style: chr15-62214756-A-G.
Other names: c.6815T>C, p.Ile2272Thr (NM_001018088.3); c.6686T>C, p.Ile2229Thr (NM_017684.5, NM_018080.4); short protein forms I2229T, I2272T.
Identifiers: ClinVar variation 1402013 (VCV001402013.26), dbSNP rs141890160, ClinGen allele CA7595446.
Genomic context (GRCh38, chr15:61,922,557, plus strand): 5'-CCAAGGCCACATTCTAAGGTAACTTGAATGGATTCTACAACAACACCACAATTTTCCTCT[A>G]TCAGTGAATGTTCAATGCCTTTGAAGCTTTCCGTTATTTCTGTTGCCGTGTCAACACCAA-3'
Protein context (NP_065872.1, residues 2262-2282): ESFKGIEHSL[Ile2272Thr]EENCGVVVES